The following is an entry in ClinVar:

ClinVar aggregate classification (germline): Likely benign (1 of 4 stars; one submission).

Allele frequency attached by ClinVar (database versions not stated): gnomAD exomes below 0.00001.

Submission:

CeGaT Center for Human Genetics Tuebingen
Classification: Likely benign. Last evaluated: 2022-06-01. Review status: criteria provided, single submitter. Criteria: CeGaT Center For Human Genetics Tuebingen Variant Classification Criteria Version 2. Collection method: clinical testing. Allele origin: germline. Affected: yes. Observed: 1 variant allele.
Comment: LSS: PM2:Supporting, BP4, BP7

NM_002340.6(LSS):c.351C>T (p.Ile117=)

Gene: LSS (lanosterol synthase; minus strand). Cytogenetic location: 21q22.3.
Variant type: single nucleotide variant.
Coding change: c.351C>T on transcript NM_002340.6 (MANE Select); coding-DNA position 351, C replaced by T.
Protein change: p.Ile117=; no amino-acid change (isoleucine 117 retained).
Molecular consequence: synonymous variant.
Genome position (GRCh38, 1-based): chr21:46,222,707, G>A on the plus strand (C>T on the coding strand, the complement: LSS is on the minus strand). VCF-style: chr21-46222707-G-A. GRCh37 (hg19) VCF-style: chr21-47642621-G-A.
Other names: c.351C>T, p.Ile117= (NM_001001438.3, NM_001145436.2); c.111C>T, p.Ile37= (NM_001145437.2).
Identifiers: ClinVar variation 2652816 (VCV002652816.24), dbSNP rs2517250632, ClinGen allele CA512731611.